The following is an entry in ClinVar:

NM_003070.5(SMARCA2):c.2255G>C (p.Gly752Ala)

Gene: SMARCA2 (SWI/SNF related BAF chromatin remodeling complex subunit ATPase 2; plus strand). Cytogenetic location: 9p24.3.
Variant type: single nucleotide variant.
Coding change: c.2255G>C on transcript NM_003070.5 (MANE Select); coding-DNA position 2255, G replaced by C.
Protein change: p.Gly752Ala; replaces glycine 752 with alanine.
Molecular consequence: missense variant.
Genome position (GRCh38, 1-based): chr9:2,081,902, G>C. VCF-style: chr9-2081902-G-C. GRCh37 (hg19) VCF-style: chr9-2081902-G-C.
Other names: c.2255G>C, p.Gly752Ala (NM_001289396.2, NM_001289397.2, NM_139045.4); short protein forms G752A.
Identifiers: ClinVar variation 30019 (VCV000030019.7), dbSNP rs281875198, ClinGen allele CA211281.

ClinVar aggregate classification (germline): Pathogenic. Review status: criteria provided, single submitter (1 of 4 stars). 3 submissions from 3 submitters: Pathogenic (1). 2 of the submissions do not count toward it. Last evaluated 2025-10-06.

Conditions:
Nicolaides-Baraitser syndrome (NCBRS). Also called: Intellectual disability-sparse hair-brachydactyly syndrome; SMARCA2-Related Nicolaides-Baraitser Syndrome. Identifiers: Orphanet 3051, MedGen C1303073, MONDO:0011053, OMIM 601358.

Submissions (3):

Labcorp Genetics (formerly Invitae), Labcorp
Classification: Pathogenic. Last evaluated: 2025-10-06. Review status: criteria provided, single submitter. Criteria: Invitae Variant Classification Sherloc (09022015). Collection method: clinical testing. Allele origin: germline.
Comment: This sequence change replaces glycine, which is neutral and non-polar, with alanine, which is neutral and non-polar, at codon 752 of the SMARCA2 protein (p.Gly752Ala). This variant is not present in population databases (gnomAD no frequency). This missense change has been observed in individual(s) with Nicolaides-Baraitser syndrome and/or SMARCA2-related conditions (PMID: 22366787; internal data). In at least one individual the variant was observed to be de novo. ClinVar contains an entry for this variant (Variation ID: 30019). Invitae Evidence Modeling of protein sequence and biophysical properties (such as structural, functional, and spatial information, amino acid conservation, physicochemical variation, residue mobility, and thermodynamic stability) indicates that this missense variant is expected to disrupt SMARCA2 protein function with a positive predictive value of 80%. For these reasons, this variant has been classified as Pathogenic.

OMIM
Classification: Pathogenic for NICOLAIDES-BARAITSER SYNDROME. Last evaluated: 2012-02-26. Review status: no assertion criteria provided. Collection method: literature only. Allele origin: germline. Not counted in ClinVar's aggregate classification.

UniProtKB/Swiss-Prot
No classification provided. Review status: no classification provided. Collection method: not provided. Allele origin: not provided. Not counted in ClinVar's aggregate classification.

Literature cited by the submitters: PubMed 22366787 (cited by Labcorp Genetics (formerly Invitae), Labcorp and OMIM); PubMed 19606471 (cited by OMIM).